The following is an entry in ClinVar:

ClinVar aggregate classification (germline): Conflicting classifications of pathogenicity. Review status: criteria provided, conflicting classifications (1 of 4 stars). 2 submissions from 2 submitters: Likely pathogenic (1); Uncertain significance (1). Last evaluated 2022-12-20.

Conditions:
GRIN1-related disorder. Also called: GRIN1-related condition.

Submissions (2):

GeneDx
Classification: Likely pathogenic. Last evaluated: 2022-12-20. Review status: criteria provided, single submitter. Criteria: GeneDx Variant Classification Process June 2021. Collection method: clinical testing. Allele origin: germline. Affected: yes.
Comment: Not observed at significant frequency in large population cohorts (gnomAD); In silico analysis supports that this missense variant does not alter protein structure/function; Has not been previously published as pathogenic or benign to our knowledge

CeGaT Center for Human Genetics Tuebingen
Classification: Uncertain significance. Last evaluated: 2016-10-01. Review status: criteria provided, single submitter. Criteria: CeGaT Center For Human Genetics Tuebingen Variant Classification Criteria Version 2. Collection method: clinical testing. Allele origin: germline. Affected: yes. Observed: 1 variant allele.

NM_007327.4(GRIN1):c.1974C>G (p.Asp658Glu)

Gene: GRIN1 (glutamate ionotropic receptor NMDA type subunit 1; plus strand). Cytogenetic location: 9q34.3.
Variant type: single nucleotide variant.
Coding change: c.1974C>G on transcript NM_007327.4 (MANE Select); coding-DNA position 1974, C replaced by G.
Protein change: p.Asp658Glu; replaces aspartic acid 658 with glutamic acid.
Molecular consequence: missense variant.
Genome position (GRCh38, 1-based): chr9:137,162,700, C>G. VCF-style: chr9-137162700-C-G. GRCh37 (hg19) VCF-style: chr9-140057152-C-G.
Other names: c.1974C>G, p.Asp658Glu (NM_000832.7, NM_021569.4); c.2037C>G, p.Asp679Glu (NM_001185090.2, NM_001185091.2); short protein forms D658E, D679E.
Identifiers: ClinVar variation 422332 (VCV000422332.47), dbSNP rs1064795712, ClinGen allele CA16618812.